The following is an entry in ClinVar:

NM_001040436.3(YARS2):c.655T>G (p.Phe219Val)

Gene: YARS2 (tyrosyl-tRNA synthetase 2; minus strand). Cytogenetic location: 12p11.21.
Variant type: single nucleotide variant.
Coding change: c.655T>G on transcript NM_001040436.3 (MANE Select); coding-DNA position 655, T replaced by G.
Protein change: p.Phe219Val; replaces phenylalanine 219 with valine.
Molecular consequence: missense variant.
Genome position (GRCh38, 1-based): chr12:32,755,220, A>C on the plus strand (T>G on the coding strand, the complement: YARS2 is on the minus strand). VCF-style: chr12-32755220-A-C. GRCh37 (hg19) VCF-style: chr12-32908154-A-C.
Other names: short protein forms F219V.
Identifiers: ClinVar variation 2974895 (VCV002974895.2), dbSNP rs2541163244, ClinGen allele CA384373452.
Genomic context (GRCh38, chr12:32,755,220, plus strand): 5'-TGCATCCATAACGCTGGAAGAGGTAATAGAAGTCATAGGCCTGGAGCACCTGGTAAAAGA[A>C]CTCGGCCAAGCTCATGCCCTCGGGGCTCTTGAGCCGCAGCTGCACGCTCTGCCGGCTCAG-3'
Protein context (NP_001035526.1, residues 209-229): KSPEGMSLAE[Phe219Val]FYQVLQAYDF

ClinVar aggregate classification (germline): Uncertain significance (1 of 4 stars; one submission).

Allele frequency attached by ClinVar (database versions not stated): gnomAD exomes below 0.00001.
gnomAD v4.1: 2 of 1,614,056 alleles (0.00012%); highest among the groups gnomAD compares: Non-Finnish European, 0.00017%; no homozygotes.

Submission:

Labcorp Genetics (formerly Invitae), Labcorp
Classification: Uncertain significance. Last evaluated: 2023-11-07. Review status: criteria provided, single submitter. Criteria: Invitae Variant Classification Sherloc (09022015). Collection method: clinical testing. Allele origin: germline.
Comment: This sequence change replaces phenylalanine, which is neutral and non-polar, with valine, which is neutral and non-polar, at codon 219 of the YARS2 protein (p.Phe219Val). This variant is not present in population databases (gnomAD no frequency). This variant has not been reported in the literature in individuals affected with YARS2-related conditions. Advanced modeling of protein sequence and biophysical properties (such as structural, functional, and spatial information, amino acid conservation, physicochemical variation, residue mobility, and thermodynamic stability) has been performed at Invitae for this missense variant, however the output from this modeling did not meet the statistical confidence thresholds required to predict the impact of this variant on YARS2 protein function. In summary, the available evidence is currently insufficient to determine the role of this variant in disease. Therefore, it has been classified as a Variant of Uncertain Significance.